The following is an entry in ClinVar:

ClinVar aggregate classification (germline): Likely pathogenic. Review status: criteria provided, multiple submitters, no conflicts (2 of 4 stars). 4 submissions from 4 submitters: Likely pathogenic (4). Last evaluated 2025-08-21.

Conditions:
GNE-related disorders.
GNE myopathy (NM). Also called: NONAKA DISTAL MYOPATHY; IBM 2; Inclusion body myopathy autosomal recessive; Inclusion body myopathy quadriceps sparing; INCLUSION BODY MYOPATHY, HEREDITARY, AUTOSOMAL RECESSIVE; INCLUSION BODY MYOPATHY 2, AUTOSOMAL RECESSIVE. Identifiers: Orphanet 602, MedGen C1853926, MONDO:0011603, OMIM 605820.
Sialuria. Also called: SIALURIA, FRENCH TYPE; Sialic Acid Storage Disease. Identifiers: Orphanet 3166, MedGen C0342853, MONDO:0010028, OMIM 269921.

Allele frequency attached by ClinVar (database versions not stated): gnomAD exomes below 0.00001.
gnomAD v4.1: 2 of 1,608,478 alleles (0.00012%); highest among the groups gnomAD compares: Non-Finnish European, 0.00017%; no homozygotes.

Submissions (4):

Natera, Inc.
Classification: Likely pathogenic for Nonaka myopathy. Last evaluated: 2025-08-21. Review status: criteria provided, single submitter. Criteria: Natera Variant Classification Schema (03/2026). Collection method: clinical testing. Allele origin: germline.
Comment: The c.710-1G>A variant in GNE is a canonical splice acceptor site variant predicted to affect pre-mRNA splicing, which may result in an abnormal transcript and altered protein product. This variant is expected to result in nonsense mediated decay, truncation, or a dysfunctional protein product. This variant is rare in the general population with a frequency below the threshold expected for the associated phenotype(s). Given the available evidence, this variant is classified as Likely Pathogenic.

Baylor Genetics
Classification: Likely pathogenic for GNE myopathy. Last evaluated: 2024-02-09. Review status: criteria provided, single submitter. Criteria: ACMG Guidelines, 2015. Collection method: clinical testing. Allele origin: unknown.

Blueprint Genetics
Classification: Likely pathogenic for GNE-related disorders. Last evaluated: 2019-07-26. Review status: criteria provided, single submitter. Criteria: ACMG Guidelines, 2015. Collection method: clinical testing. Allele origin: germline. Affected: yes. Observed: 1 variant allele.

Labcorp Genetics (formerly Invitae), Labcorp
Classification: Likely pathogenic for Sialuria; GNE myopathy. Last evaluated: 2018-10-18. Review status: criteria provided, single submitter. Criteria: Invitae Variant Classification Sherloc (09022015). Collection method: clinical testing. Allele origin: germline.
Comment: In summary, the currently available evidence indicates that the variant is pathogenic, but additional data are needed to prove that conclusively. Therefore, this variant has been classified as Likely Pathogenic. Donor and acceptor splice site variants typically lead to a loss of protein function (PMID: 16199547), and loss-of-function variants in GNE are known to be pathogenic (PMID: 24027297). Algorithms developed to predict the effect of sequence changes on RNA splicing suggest that this variant may disrupt the consensus splice site, but this prediction has not been confirmed by published transcriptional studies. This variant has not been reported in the literature in individuals with GNE-related disease. This variant is not present in population databases (ExAC no frequency). This sequence change affects an acceptor splice site in intron 3 of the GNE gene. It is expected to disrupt RNA splicing and likely results in an absent or disrupted protein product.

Literature cited by the submitters: PubMed 16199547 (cited by Labcorp Genetics (formerly Invitae), Labcorp); PubMed 24027297 (cited by Labcorp Genetics (formerly Invitae), Labcorp).

NM_005476.7(GNE):c.617-1G>A

Gene: GNE (glucosamine (UDP-N-acetyl)-2-epimerase/N-acetylmannosamine kinase; minus strand). Cytogenetic location: 9p13.3.
Variant type: single nucleotide variant.
Coding change: c.617-1G>A on transcript NM_005476.7 (MANE Select); the canonical splice acceptor site of the intron before coding-DNA position 617, G replaced by A.
Molecular consequence: splice acceptor variant. On other transcripts: intron variant (2).
Genome position (GRCh38, 1-based): chr9:36,236,985, C>T on the plus strand (G>A on the coding strand, the complement: GNE is on the minus strand). VCF-style: chr9-36236985-C-T. GRCh37 (hg19) VCF-style: chr9-36236982-C-T.
Other names: c.440-1G>A (NM_001190388.2, NM_001374798.1); c.710-1G>A (NM_001128227.3, NM_001128227.2); c.440-2853G>A (NM_001190384.3); c.617-2853G>A (NM_001374797.1); c.617-1G>A (NM_001190383.3).
Identifiers: ClinVar variation 1067045 (VCV001067045.11), dbSNP rs1256419231, ClinGen allele CA373415625.